The following is an entry in ClinVar:

ClinVar aggregate classification (germline): Uncertain significance. Review status: criteria provided, multiple submitters, no conflicts (2 of 4 stars). 2 submissions from 2 submitters: Uncertain significance (2). Last evaluated 2025-11-04.

Conditions:
Hereditary cancer-predisposing syndrome. Also called: Tumor predisposition; Neoplastic Syndromes, Hereditary; Hereditary Cancer Syndrome; Hereditary neoplastic syndrome. Identifiers: Orphanet 140162, MedGen C0027672, MeSH D009386, MONDO:0015356.
Multiple endocrine neoplasia, type 2 (MEN2). Identifiers: Orphanet 653, MedGen C4048306, MONDO:0019003. Disease mechanism: gain of function.

Submissions (2):

Ambry Genetics
Classification: Uncertain significance for Hereditary cancer-predisposing syndrome. Last evaluated: 2025-11-04. Review status: criteria provided, single submitter. Criteria: Ambry Variant Classification Scheme 2023. Collection method: clinical testing. Allele origin: germline.
Comment: The p.V42M variant (also known as c.124G>A), located in coding exon 2 of the RET gene, results from a G to A substitution at nucleotide position 124. The valine at codon 42 is replaced by methionine, an amino acid with highly similar properties. This amino acid position is well conserved in available vertebrate species. In addition, this alteration is predicted to be tolerated by in silico analysis. Based on the available evidence, the clinical significance of this variant remains unclear.

Labcorp Genetics (formerly Invitae), Labcorp
Classification: Uncertain significance for Multiple endocrine neoplasia, type 2. Last evaluated: 2024-05-23. Review status: criteria provided, single submitter. Criteria: Invitae Variant Classification Sherloc (09022015). Collection method: clinical testing. Allele origin: germline.
Comment: This sequence change replaces valine, which is neutral and non-polar, with methionine, which is neutral and non-polar, at codon 42 of the RET protein (p.Val42Met). This variant is not present in population databases (gnomAD no frequency). This variant has not been reported in the literature in individuals affected with RET-related conditions. An algorithm developed to predict the effect of missense changes on protein structure and function (PolyPhen-2) suggests that this variant is likely to be tolerated. In summary, the available evidence is currently insufficient to determine the role of this variant in disease. Therefore, it has been classified as a Variant of Uncertain Significance.

NM_020975.6(RET):c.124G>A (p.Val42Met)

Gene: RET (ret proto-oncogene; plus strand). Cytogenetic location: 10q11.21.
Variant type: single nucleotide variant.
Coding change: c.124G>A on transcript NM_020975.6 (MANE Select); coding-DNA position 124, G replaced by A.
Protein change: p.Val42Met; replaces valine 42 with methionine.
Molecular consequence: missense variant. On other transcripts: intron variant (4).
Genome position (GRCh38, 1-based): chr10:43,100,509, G>A. VCF-style: chr10-43100509-G-A. GRCh37 (hg19) VCF-style: chr10-43595957-G-A.
Other names: c.124G>A, p.Val42Met (NM_001406743.1, NM_001406744.1, NM_001406759.1 and 32 more transcripts); c.74-8522G>A (NM_001406784.1); c.74-11590G>A (NM_001406794.1, NM_001406792.1, NM_001406793.1); short protein forms V42M.
Identifiers: ClinVar variation 3690585 (VCV003690585.3).